The following is an entry in ClinVar:

NM_022124.6(CDH23):c.2310C>T (p.Asp770=)

Gene: CDH23 (cadherin related 23; plus strand). Cytogenetic location: 10q22.1.
Variant type: single nucleotide variant.
Coding change: c.2310C>T on transcript NM_022124.6 (MANE Select); coding-DNA position 2310, C replaced by T.
Protein change: p.Asp770=; no amino-acid change (aspartic acid 770 retained).
Molecular consequence: synonymous variant.
Genome position (GRCh38, 1-based): chr10:71,695,438, C>T. VCF-style: chr10-71695438-C-T. GRCh37 (hg19) VCF-style: chr10-73455195-C-T.
Other names: c.2310C>T, p.Asp770= (NM_001171930.2, NM_001171931.2).
Identifiers: ClinVar variation 300413 (VCV000300413.15), dbSNP rs886047131, ClinGen allele CA10636081.
Genomic context (GRCh38, chr10:71,695,438, plus strand): 5'-CAGCTGGGTGTGTCTCCCAGCGCCCCTTATGGCTTCACAGGTAAACATCACCCTCCTGGA[C>T]ATCAATGACAACCACCCCACGTGGAAGGACGCACCCTACTACATCAACCTGGTGGAGATG-3'
Protein context (NP_071407.4, residues 760-780): GIATVNITLL[Asp770=]INDNHPTWKD

ClinVar aggregate classification (germline): Conflicting classifications of pathogenicity. Review status: criteria provided, conflicting classifications (1 of 4 stars). 4 submissions from 3 submitters: Uncertain significance (2); Likely benign (2). Last evaluated 2025-08-15.

Conditions:
Autosomal recessive nonsyndromic hearing loss 12. Also called: DEAFNESS, AUTOSOMAL RECESSIVE 12. Identifiers: Orphanet 90636, MedGen C1832394, MONDO:0011067, OMIM 601386.
CDH23-related disorder. Also called: CDH23-related condition; CDH23-related disorders.
Usher syndrome type 1D (USH1D). Also called: USHER SYNDROME, TYPE ID. Identifiers: Orphanet 231169, Orphanet 886, MedGen C1832845, MONDO:0010984, OMIM 601067.

Allele frequency attached by ClinVar (database versions not stated): gnomAD 0.00001; gnomAD exomes 0.00002; TOPMed 0.00003.
gnomAD v4.1: 31 of 1,612,610 alleles (0.0019%); highest among the groups gnomAD compares: Non-Finnish European, 0.0025%; no homozygotes.

Submissions (4):

PreventionGenetics, part of Exact Sciences
Classification: Likely benign for CDH23-related condition. Last evaluated: 2025-08-15. Review status: criteria provided, single submitter. Criteria: ACMG Guidelines, 2015. Collection method: clinical testing. Allele origin: germline.
Comment: This variant is classified as likely benign based on ACMG/AMP sequence variant interpretation guidelines (Richards et al. 2015 PMID: 25741868, with internal and published modifications).

Labcorp Genetics (formerly Invitae), Labcorp
Classification: Likely benign. Last evaluated: 2024-04-17. Review status: criteria provided, single submitter. Criteria: Invitae Variant Classification Sherloc (09022015). Collection method: clinical testing. Allele origin: germline.

Illumina Laboratory Services, Illumina
Classification: Uncertain significance for Autosomal recessive nonsyndromic hearing loss 12. Last evaluated: 2018-01-13. Review status: criteria provided, single submitter. Criteria: ICSL Variant Classification Criteria 13 December 2019. Collection method: clinical testing. Allele origin: germline.

Illumina Laboratory Services, Illumina
Classification: Uncertain significance for Usher syndrome type 1D. Last evaluated: 2018-01-13. Review status: criteria provided, single submitter. Criteria: ICSL Variant Classification Criteria 13 December 2019. Collection method: clinical testing. Allele origin: germline.